The following is an entry in ClinVar:

ClinVar aggregate classification (germline): Benign (1 of 4 stars; one submission).

Conditions:
Retinitis pigmentosa (RP). Identifiers: Orphanet 791, MedGen C0035334, MeSH D012174, MONDO:0019200, OMIM 268000. Inheritance: Autosomal dominant, autosomal recessive and X linked inheritance.

Allele frequency attached by ClinVar (database versions not stated): gnomAD 0.00001 and 0.00105; TOPMed 0.00019; gnomAD exomes 0.00234; 1000 Genomes Project 30x 0.00953; 1000 Genomes Project 0.01058.

Submission:

Illumina Laboratory Services, Illumina
Classification: Benign for Retinitis pigmentosa. Last evaluated: 2018-01-13. Review status: criteria provided, single submitter. Criteria: ICSL Variant Classification Criteria 13 December 2019. Collection method: clinical testing. Allele origin: germline.
Comment: This variant was observed in the ICSL laboratory as part of a predisposition screen in an ostensibly healthy population. It had not been previously curated by ICSL or reported in the Human Gene Mutation Database (HGMD: prior to June 1st, 2018), and was therefore a candidate for classification through an automated scoring system. Utilizing variant allele frequency, disease prevalence and penetrance estimates, and inheritance mode, an automated score was calculated to assess if this variant is too frequent to cause the disease. Based on the score and internal cut-off values, a variant classified as benign is not then subjected to further curation. The score for this variant resulted in a classification of benign for this disease.

NM_004698.4(PRPF3):c.*154G>A

Gene: PRPF3 (pre-mRNA processing factor 3; plus strand). Cytogenetic location: 1q21.2.
Variant type: single nucleotide variant.
Coding change: c.*154G>A on transcript NM_004698.4 (MANE Select); 154 bases downstream of the stop codon, G replaced by A.
Molecular consequence: 3 prime UTR variant. On other transcripts: non-coding transcript variant (4).
Genome position (GRCh38, 1-based): chr1:150,353,133, G>A. VCF-style: chr1-150353133-G-A. GRCh37 (hg19) VCF-style: chr1-150325609-G-A.
Other names: c.*154G>A (NM_001350529.1).
Identifiers: ClinVar variation 292510 (VCV000292510.5), dbSNP rs368160043, ClinGen allele CA10607650.